The following is an entry in ClinVar:

ClinVar aggregate classification (germline): Uncertain significance. Review status: criteria provided, multiple submitters, no conflicts (2 of 4 stars). 2 submissions from 2 submitters: Uncertain significance (2). Last evaluated 2025-08-02.

Conditions:
Primary ciliary dyskinesia 23 (CILD23). Also called: CILIARY DYSKINESIA, PRIMARY, 23, WITH OR WITHOUT SITUS INVERSUS. Identifiers: Orphanet 244, MedGen C3809548, MONDO:0014193, OMIM 615451.
Primary ciliary dyskinesia. Also called: Ciliary dyskinesia. Identifiers: Orphanet 244, MedGen C0008780, MONDO:0016575, HP:0012265.

Allele frequency attached by ClinVar (database versions not stated): TOPMed below 0.00001; ExAC 0.00001; gnomAD 0.00001; gnomAD exomes 0.00001 and 0.00003.
gnomAD v4.1: 39 of 1,614,036 alleles (0.0024%); highest among the groups gnomAD compares: Non-Finnish European, 0.0032%; no homozygotes.

Submissions (2):

Ambry Genetics
Classification: Uncertain significance for Primary ciliary dyskinesia. Last evaluated: 2025-08-02. Review status: criteria provided, single submitter. Criteria: Ambry Variant Classification Scheme 2023. Collection method: clinical testing. Allele origin: germline.

Labcorp Genetics (formerly Invitae), Labcorp
Classification: Uncertain significance for Primary ciliary dyskinesia 23. Last evaluated: 2021-08-26. Review status: criteria provided, single submitter. Criteria: Invitae Variant Classification Sherloc (09022015). Collection method: clinical testing. Allele origin: germline.
Comment: This sequence change replaces serine with proline at codon 947 of the ARMC4 protein (p.Ser947Pro). The serine residue is moderately conserved and there is a moderate physicochemical difference between serine and proline. This variant is present in population databases (rs772552604, ExAC 0.001%). This variant has not been reported in the literature in individuals affected with ARMC4-related conditions. Algorithms developed to predict the effect of missense changes on protein structure and function are either unavailable or do not agree on the potential impact of this missense change (SIFT: "Deleterious"; PolyPhen-2: "Possibly Damaging"; Align-GVGD: "Class C0"). In summary, the available evidence is currently insufficient to determine the role of this variant in disease. Therefore, it has been classified as a Variant of Uncertain Significance.

NM_018076.5(ODAD2):c.2839T>C (p.Ser947Pro)

Gene: ODAD2 (outer dynein arm docking complex subunit 2; minus strand). Cytogenetic location: 10p12.1.
Variant type: single nucleotide variant.
Coding change: c.2839T>C on transcript NM_018076.5 (MANE Select); coding-DNA position 2839, T replaced by C.
Protein change: p.Ser947Pro; replaces serine 947 with proline.
Molecular consequence: missense variant.
Genome position (GRCh38, 1-based): chr10:27,860,807, A>G on the plus strand (T>C on the coding strand, the complement: ODAD2 is on the minus strand). VCF-style: chr10-27860807-A-G. GRCh37 (hg19) VCF-style: chr10-28149736-A-G.
Other names: c.2839T>C, p.Ser947Pro (NM_001290020.2); c.1414T>C, p.Ser472Pro (NM_001290021.2); c.1915T>C, p.Ser639Pro (NM_001312689.2); short protein forms S947P, S472P, S639P.
Identifiers: ClinVar variation 241263 (VCV000241263.7), dbSNP rs772552604, ClinGen allele CA5453086.